The following is an entry in ClinVar:

NM_004304.5(ALK):c.1613C>A (p.Thr538Lys)

Gene: ALK (ALK receptor tyrosine kinase; minus strand). Cytogenetic location: 2p23.2.
Variant type: single nucleotide variant.
Coding change: c.1613C>A on transcript NM_004304.5 (MANE Select); coding-DNA position 1613, C replaced by A.
Protein change: p.Thr538Lys; replaces threonine 538 with lysine.
Molecular consequence: missense variant.
Genome position (GRCh38, 1-based): chr2:29,318,338, G>T on the plus strand (C>A on the coding strand, the complement: ALK is on the minus strand). VCF-style: chr2-29318338-G-T. GRCh37 (hg19) VCF-style: chr2-29541204-G-T.
Other names: c.1613C>A (NM_004304.4); short protein forms T538K.
Identifiers: ClinVar variation 2054361 (VCV002054361.5), dbSNP rs775302364, ClinGen allele CA346471012.

ClinVar aggregate classification (germline): Conflicting classifications of pathogenicity. Review status: criteria provided, conflicting classifications (1 of 4 stars). 2 submissions from 2 submitters: Uncertain significance (1); Likely benign (1). Last evaluated 2025-02-18.

Conditions:
Hereditary cancer-predisposing syndrome. Also called: Neoplastic Syndromes, Hereditary; Hereditary Cancer Syndrome; Tumor predisposition; Hereditary neoplastic syndrome. Identifiers: Orphanet 140162, MedGen C0027672, MeSH D009386, MONDO:0015356.
Neuroblastoma, susceptibility to, 3. Also called: ALK-Related Neuroblastic Tumor Susceptibility. Identifiers: Orphanet 635, MedGen C2751681, MONDO:0013083, OMIM 613014.

gnomAD v4.1: 1 of 1,613,964 alleles (0.000062%); highest among the groups gnomAD compares: South Asian, 0.0011%; no homozygotes.

Submissions (2):

Ambry Genetics
Classification: Likely benign for Hereditary cancer-predisposing syndrome. Last evaluated: 2025-02-18. Review status: criteria provided, single submitter. Criteria: Ambry Variant Classification Scheme 2023. Collection method: clinical testing. Allele origin: germline.

Labcorp Genetics (formerly Invitae), Labcorp
Classification: Uncertain significance for Neuroblastoma, susceptibility to, 3. Last evaluated: 2024-04-24. Review status: criteria provided, single submitter. Criteria: Invitae Variant Classification Sherloc (09022015). Collection method: clinical testing. Allele origin: germline.
Comment: This sequence change replaces threonine, which is neutral and polar, with lysine, which is basic and polar, at codon 538 of the ALK protein (p.Thr538Lys). This variant is not present in population databases (gnomAD no frequency). This variant has not been reported in the literature in individuals affected with ALK-related conditions. ClinVar contains an entry for this variant (Variation ID: 2054361). An algorithm developed to predict the effect of missense changes on protein structure and function (PolyPhen-2) suggests that this variant is likely to be disruptive. In summary, the available evidence is currently insufficient to determine the role of this variant in disease. Therefore, it has been classified as a Variant of Uncertain Significance.